The following is an entry in ClinVar:

ClinVar aggregate classification (germline): Uncertain significance. Review status: criteria provided, multiple submitters, no conflicts (2 of 4 stars). 2 submissions from 2 submitters: Uncertain significance (2). Last evaluated 2024-06-17.

Conditions:
Proteinuria, chronic benign. Identifiers: MedGen C5394384, MONDO:0030042, OMIM 618884.
Imerslund-Grasbeck syndrome type 1 (IGS1). Also called: Megaloblastic anemia 1, Finnish type; MEGALOBLASTIC ANEMIA, 1; Imerslund-Gräsbeck syndrome 1. Identifiers: MedGen C4016819, MONDO:0100156, OMIM 261100.

Allele frequency attached by ClinVar (database versions not stated): gnomAD exomes 0.00002.
gnomAD v4.1: 34 of 1,613,762 alleles (0.0021%); highest among the groups gnomAD compares: Admixed American, 0.012%; no homozygotes.

Submissions (2):

Fulgent Genetics
Classification: Uncertain significance for Imerslund-Grasbeck syndrome type 1; Proteinuria, chronic benign. Last evaluated: 2024-06-17. Review status: criteria provided, single submitter. Criteria: ACMG Guidelines, 2015. Collection method: clinical testing. Allele origin: germline.

GeneDx
Classification: Uncertain significance. Last evaluated: 2019-08-22. Review status: criteria provided, single submitter. Criteria: GeneDx Variant Classification Process June 2021. Collection method: clinical testing. Allele origin: germline. Affected: yes.
Comment: Not observed at a significant frequency in large population cohorts (Lek et al., 2016); In silico analysis, which includes protein predictors and evolutionary conservation, supports that this variant does not alter protein structure/function; Has not been previously published as pathogenic or benign to our knowledge

NM_001081.4(CUBN):c.5965G>A (p.Val1989Met)

Gene: CUBN (cubilin; minus strand). Cytogenetic location: 10p13.
Variant type: single nucleotide variant.
Coding change: c.5965G>A on transcript NM_001081.4 (MANE Select); coding-DNA position 5965, G replaced by A.
Protein change: p.Val1989Met; replaces valine 1989 with methionine.
Molecular consequence: missense variant.
Genome position (GRCh38, 1-based): chr10:16,933,246, C>T on the plus strand (G>A on the coding strand, the complement: CUBN is on the minus strand). VCF-style: chr10-16933246-C-T. GRCh37 (hg19) VCF-style: chr10-16975245-C-T.
Other names: short protein forms V1989M.
Identifiers: ClinVar variation 1318759 (VCV001318759.4), dbSNP rs368951850, ClinGen allele CA5423840.